The following is an entry in ClinVar:

NM_001256071.3(RNF213):c.3215C>T (p.Ala1072Val)

Gene: RNF213 (ring finger protein 213; plus strand). Cytogenetic location: 17q25.3.
Variant type: single nucleotide variant.
Coding change: c.3215C>T on transcript NM_001256071.3 (MANE Select); coding-DNA position 3215, C replaced by T.
Protein change: p.Ala1072Val; replaces alanine 1072 with valine.
Molecular consequence: missense variant.
Genome position (GRCh38, 1-based): chr17:80,327,837, C>T. VCF-style: chr17-80327837-C-T. GRCh37 (hg19) VCF-style: chr17-78301637-C-T.
Other names: c.3362C>T, p.Ala1121Val (NM_001410195.1, NM_020914.5); short protein forms A1072V, A1121V.
Identifiers: ClinVar variation 2705622 (VCV002705622.3), dbSNP rs2511314006, ClinGen allele CA401379267.

ClinVar aggregate classification (germline): Uncertain significance (1 of 4 stars; one submission).

Submission:

Labcorp Genetics (formerly Invitae), Labcorp
Classification: Uncertain significance. Last evaluated: 2024-04-29. Review status: criteria provided, single submitter. Criteria: Invitae Variant Classification Sherloc (09022015). Collection method: clinical testing. Allele origin: germline.
Comment: This sequence change replaces alanine, which is neutral and non-polar, with valine, which is neutral and non-polar, at codon 1072 of the RNF213 protein (p.Ala1072Val). This variant is not present in population databases (gnomAD no frequency). This variant has not been reported in the literature in individuals affected with RNF213-related conditions. Algorithms developed to predict the effect of missense changes on protein structure and function output the following: SIFT: "Not Available"; PolyPhen-2: "Benign"; Align-GVGD: "Not Available". The valine amino acid residue is found in multiple mammalian species, which suggests that this missense change does not adversely affect protein function. In summary, the available evidence is currently insufficient to determine the role of this variant in disease. Therefore, it has been classified as a Variant of Uncertain Significance.